The following is an entry in ClinVar:

NM_000045.4(ARG1):c.789A>T (p.Glu263Asp)

Genes: ARG1 (arginase 1; plus strand), MED23 (mediator complex subunit 23; minus strand). Cytogenetic location: 6q23.2.
Variant type: single nucleotide variant.
Coding change: c.789A>T on transcript NM_000045.4 (MANE Select); coding-DNA position 789, A replaced by T.
Protein change: p.Glu263Asp; replaces glutamic acid 263 with aspartic acid.
Molecular consequence: missense variant. On other transcripts: non-coding transcript variant (1), intron variant (2).
Genome position (GRCh38, 1-based): chr6:131,583,478, A>T. VCF-style: chr6-131583478-A-T. GRCh37 (hg19) VCF-style: chr6-131904618-A-T.
Other names: c.813A>T, p.Glu271Asp (NM_001244438.2); c.534A>T, p.Glu178Asp (NM_001369020.1); c.4077+4231T>A (NM_001270521.2); c.4095+4231T>A (NM_015979.4); short protein forms E263D, E271D, E178D.
Identifiers: ClinVar variation 2079884 (VCV002079884.3), dbSNP rs541871489, ClinGen allele CA3999366.

ClinVar aggregate classification (germline): Uncertain significance (1 of 4 stars; one submission).

Conditions:
Arginase deficiency. Also called: Arginase 1 Deficiency; ARGININEMIA; ARG1 DEFICIENCY. Identifiers: Orphanet 90, MedGen C0268548, MONDO:0008814, OMIM 207800.

Allele frequency attached by ClinVar (database versions not stated): ExAC 0.00001.

Submission:

Labcorp Genetics (formerly Invitae), Labcorp
Classification: Uncertain significance for Arginase deficiency. Last evaluated: 2024-02-23. Review status: criteria provided, single submitter. Criteria: Invitae Variant Classification Sherloc (09022015). Collection method: clinical testing. Allele origin: germline.
Comment: This sequence change replaces glutamic acid, which is acidic and polar, with aspartic acid, which is acidic and polar, at codon 263 of the ARG1 protein (p.Glu263Asp). This variant is present in population databases (rs541871489, gnomAD 0.0009%). This variant has not been reported in the literature in individuals affected with ARG1-related conditions. ClinVar contains an entry for this variant (Variation ID: 2079884). Advanced modeling of protein sequence and biophysical properties (such as structural, functional, and spatial information, amino acid conservation, physicochemical variation, residue mobility, and thermodynamic stability) performed at Invitae indicates that this missense variant is not expected to disrupt ARG1 protein function with a negative predictive value of 80%. In summary, the available evidence is currently insufficient to determine the role of this variant in disease. Therefore, it has been classified as a Variant of Uncertain Significance.